The following is an entry in ClinVar:

NM_018082.6(POLR3B):c.2559T>G (p.Asp853Glu)

Gene: POLR3B (RNA polymerase III subunit B; plus strand). Cytogenetic location: 12q23.3.
Variant type: single nucleotide variant.
Coding change: c.2559T>G on transcript NM_018082.6 (MANE Select); coding-DNA position 2559, T replaced by G.
Protein change: p.Asp853Glu; replaces aspartic acid 853 with glutamic acid.
Molecular consequence: missense variant.
Genome position (GRCh38, 1-based): chr12:106,459,357, T>G. VCF-style: chr12-106459357-T-G. GRCh37 (hg19) VCF-style: chr12-106853135-T-G.
Other names: c.2385T>G, p.Asp795Glu (NM_001160708.2); short protein forms D853E, D795E.
Identifiers: ClinVar variation 3676534 (VCV003676534.2).

ClinVar aggregate classification (germline): Uncertain significance (1 of 4 stars; one submission).

gnomAD v4.1: 6 of 1,521,810 alleles (0.00039%); highest among the groups gnomAD compares: African/African-American, 0.0041%; no homozygotes.

Submission:

Labcorp Genetics (formerly Invitae), Labcorp
Classification: Uncertain significance. Last evaluated: 2025-05-22. Review status: criteria provided, single submitter. Criteria: Invitae Variant Classification Sherloc (09022015). Collection method: clinical testing. Allele origin: germline.
Comment: This sequence change replaces aspartic acid, which is acidic and polar, with glutamic acid, which is acidic and polar, at codon 853 of the POLR3B protein (p.Asp853Glu). This variant is not present in population databases (gnomAD no frequency). This variant has not been reported in the literature in individuals affected with POLR3B-related conditions. ClinVar contains an entry for this variant (Variation ID: 3676534). Invitae Evidence Modeling of protein sequence and biophysical properties (such as structural, functional, and spatial information, amino acid conservation, physicochemical variation, residue mobility, and thermodynamic stability) indicates that this missense variant is not expected to disrupt POLR3B protein function with a negative predictive value of 80%. Algorithms developed to predict the effect of sequence changes on RNA splicing suggest that this variant may disrupt the consensus splice site. In summary, the available evidence is currently insufficient to determine the role of this variant in disease. Therefore, it has been classified as a Variant of Uncertain Significance.